The following continues an entry in ClinVar:

NM_000257.4(MYH7):c.2167C>T (p.Arg723Cys)

Gene: MYH7. ClinVar aggregate classification (germline): Pathogenic. Pathogenic (1).

Submissions 6 to 16 of 27:

3billion
Classification: Pathogenic for Hypertrophic cardiomyopathy 1. Last evaluated: 2025-09-14. Review status: criteria provided, single submitter. Criteria: ACMG Guidelines, 2015. Collection method: clinical testing. Allele origin: germline. Affected: yes. Not counted in ClinVar's aggregate classification.
Comment: The variant is observed at an extremely low frequency in the gnomAD v4.1.0 dataset (total allele frequency: 0.002%). Predicted Consequence/Location: The variant is located in a mutational hot spot and/or well-established functional domain in which established pathogenic variants have been reported (PMID: 29300372). In silico tool predictions suggest damaging effect of the variant on gene or gene product [REVEL: 0.69 (>=0.6, sensitivity 0.68 and specificity 0.92); 3Cnet: 0.90 (> 0.75, sensitivity 0.96 and precision 0.92)]. The same nucleotide change resulting in the same amino acid change has been previously reported as pathogenic/likely pathogenic with strong evidence (ClinVar ID: VCV000014095 /PMID: 1430197). The variant has been observed in multiple (>3) similarly affected unrelated individuals (PMID: 12707239, 1430197, 16199542, 20359594, 27532257, 9829907). The variant has been previously reported as assumed (i.e. paternity and maternity not confirmed) de novo in at least one similarly affected unrelated individual (PMID: 1430197). The variant has been reported to co-segregate with the disease in at least 7 similarly affected relatives/individuals in at least two unrelated families (PMID: 9829907). Different missense changes at the same codon (p.Arg723Gly, p.Arg723His) have been reported as pathogenic/likely pathogenic with strong evidence (ClinVar ID: VCV000042885, VCV000042886 /PMID: 11113006). Therefore, this variant is classified as Pathogenic according to the recommendation of ACMG/AMP guideline.

Clinical Genetics Laboratory, Region Ostergotland
Classification: Pathogenic for Hypertrophic cardiomyopathy 1. Last evaluated: 2025-07-01. Review status: criteria provided, single submitter. Criteria: ClinGen CMP ACMG Specifications MYH7 V2.0.0. Collection method: clinical testing. Allele origin: germline. Affected: yes. Observed: 1 variant allele. Not counted in ClinVar's aggregate classification.
Comment: Classification according to ClinGen Cardiomyopathy Expert Panel Specifications to the ACMG/AMP Variant Interpretation Guidelines for MYH7 Version 2.0.0: PS4, PM1, PM6, PM2_suppurting, PP1, BP2

Revvity Omics, Revvity
Classification: Pathogenic. Last evaluated: 2025-05-08. Review status: criteria provided, single submitter. Criteria: ACMG Guidelines, 2015. Collection method: clinical testing. Allele origin: germline. Not counted in ClinVar's aggregate classification.

CeGaT Center for Human Genetics Tuebingen
Classification: Pathogenic. Last evaluated: 2025-02-01. Review status: criteria provided, single submitter. Criteria: CeGaT Center For Human Genetics Tuebingen Variant Classification Criteria Version 2. Collection method: clinical testing. Allele origin: germline. Affected: yes. Observed: 3 variant alleles. Not counted in ClinVar's aggregate classification.
Comment: MYH7: PP1:Strong, PM1, PM5, PM6, PS4:Moderate, PM2:Supporting, PP3

Color Diagnostics, LLC DBA Color Health
Classification: Pathogenic for Cardiomyopathy. Last evaluated: 2024-11-15. Review status: criteria provided, single submitter. Criteria: ACMG Guidelines, 2015. Collection method: clinical testing. Allele origin: germline. Not counted in ClinVar's aggregate classification.
Comment: This missense variant replaces arginine with cysteine at codon 723 of the MYH7 protein. This variant is found within a highly conserved region of the myosin head domain. Missense variants in this region have been shown to be significantly overrepresented in individuals with affected with hypertrophic cardiomyopathy (PMID: 27532257). Computational prediction tool is inconclusive regarding the impact of this variant on protein structure and function. Functional studies using human induced pluripotent stem cells have shown that this variant causes a cellular hypertrophy phenotype in cardiomyocytes (PMID: 35784482). This variant has been reported in over 20 unrelated individuals affected with hypertrophic cardiomyopathy (PMID: 25935763, 29300372, 29710196, 29875424, 31245010, 32481709, 33495596, 33495597, 33673806, 35384713, 36843271, 38489124, 38757491, 39125703, 39260623, 39472908), in an individual affected with arrhythmogenic right ventricular cardiomyopathy (PMID: 29709087), and in an individual affected with dilated cardiomyopathy (PMID: 32880476). This variant has been reported to arise de novo in two individuals affected with hypertrophic cardiomyopathy (PMID: 1430197, 31245010). This variant has also been reported in compound heterozygous state with an MYH7 truncation variant in one individual affected with severe hypertrophic cardiomyopathy (PMID: 20359594). A few family member carriers of this variant have been reported to be unaffected, suggesting a reduced penetrance for this variant (PMID: 9829907, 20359594, 25935763); this variant has also been reported in a healthy older adult (PMID: 34135346). It has been shown that this variant segregates with disease in four affected individuals across two families (PMID: 36843271, 39125703). A different variant affecting the same codon, p.Arg723Gly, is considered to be disease-causing (ClinVar variation ID: 42885), suggesting that arginine at this position is important for MYH7 protein function. This variant has been identified in 3/251214 chromosomes in the general population by the Genome Aggregation Database (gnomAD). Based on the available evidence, this variant is classified as Pathogenic.

All of Us Research Program, National Institutes of Health
Classification: Pathogenic for Hypertrophic cardiomyopathy. Last evaluated: 2024-09-28. Review status: criteria provided, single submitter. Criteria: ACMG Guidelines, 2015. Collection method: clinical testing. Allele origin: germline. Inheritance: Autosomal dominant inheritance. Observed: 5 variant alleles, 5 heterozygotes. Not counted in ClinVar's aggregate classification.
Comment: This missense variant replaces arginine with cysteine at codon 723 of the MYH7 protein. Computational prediction tools indicate that this variant's impact on protein structure and function is inconclusive. Functional studies using human induced pluripotent stem cells have shown that this variant causes a cellular hypertrophy phenotype in cardiomyocytes (PMID: 35784482). This variant has been reported in over 20 unrelated individuals affected with hypertrophic cardiomyopathy (PMID: 25935763, 29300372, 29710196, 29875424, 31245010, 32481709, 33495596, 33495597, 33673806, 35384713, 36843271), in one individual affected with arrhythmogenic right ventricular cardiomyopathy (PMID: 29709087), and in one individual affected with dilated cardiomyopathy (PMID: 32880476). This variant has been reported to arise de novo in two individuals affected with hypertrophic cardiomyopathy (PMID: 1430197, 31245010). This variant has also been reported in compound heterozygous state with an MYH7 truncation variant in one individual affected with severe hypertrophic cardiomyopathy (PMID: 20359594). A few family member carriers of this variant have been reported to be unaffected, suggesting a reduced penetrance for this variant (PMID: 9829907, 20359594, 25935763); this variant has also been reported in one healthy older adult (PMID: 34135346). It has been shown that this variant segregates with disease in 3 affected individuals in one family (PMID: 36843271). A different variant affecting the same codon, p.Arg723Gly, is considered to be disease-causing (ClinVar variation ID: 42885), suggesting that arginine at this position is important for MYH7 protein function. This variant has been identified in 3/251214 chromosomes in the general population by the Genome Aggregation Database (gnomAD). Based on the available evidence, this variant is classified as Pathogenic.

This study involves interpretation of variants in research participants for the purpose of population health screening. Participant phenotype was not available at the time of variant classification. Additional details can be found in publication PMID: 35346344, PMCID: PMC8962531

Blueprint Genetics
Classification: Pathogenic for MYH7-related disorders. Last evaluated: 2024-04-22. Review status: criteria provided, single submitter. Criteria: ACMG Guidelines, 2015. Collection method: clinical testing. Allele origin: germline. Affected: yes. Observed: 3 variant alleles. Not counted in ClinVar's aggregate classification.

CHEO Genetics Diagnostic Laboratory, Children's Hospital of Eastern Ontario
Classification: Pathogenic for Cardiomyopathy. Last evaluated: 2023-06-30. Review status: criteria provided, single submitter. Criteria: ACMG Guidelines, 2015. Collection method: clinical testing. Allele origin: germline. Not counted in ClinVar's aggregate classification.

Clinical Genetics Laboratory, Skane University Hospital Lund
Classification: Pathogenic for Hypertrophic cardiomyopathy 1. Last evaluated: 2023-06-16. Review status: criteria provided, single submitter. Criteria: ACMG Guidelines, 2015. Collection method: clinical testing. Allele origin: germline. Inheritance: Autosomal dominant inheritance. Affected: yes. Not counted in ClinVar's aggregate classification.

Women's Health and Genetics/Laboratory Corporation of America, LabCorp
Classification: Pathogenic for Primary familial hypertrophic cardiomyopathy. Last evaluated: 2022-10-16. Review status: criteria provided, single submitter. Criteria: LabCorp Variant Classification Summary - May 2015. Collection method: clinical testing. Allele origin: germline. Not counted in ClinVar's aggregate classification.
Comment: Variant summary: MYH7 c.2167C>T (p.Arg723Cys) results in a non-conservative amino acid change located in the Myosin head, motor domain (IPR001609) of the encoded protein sequence. Four of five in-silico tools predict a damaging effect of the variant on protein function. The variant allele was found at a frequency of 1.2e-05 in 252214 control chromosomes. c.2167C>T has been widely reported in the literature in individuals affected with Hypertrophic Cardiomyopathy (example, Girolami_2010, Ingles_2005, Jouven_2002, Olivotto_2008, Richard_2003, Watkins_1992). These data indicate that the variant is likely to be associated with disease. To our knowledge, no experimental evidence demonstrating an impact on protein function has been reported. Multiple clinical diagnostic laboratories and an expert panel (ClinGen Cardiomyopathy Variant Curation Expert Panel) have submitted clinical-significance assessments for this variant to ClinVar after 2014. All submitters classified the variant as pathogenic. Based on the evidence outlined above, the variant was classified as pathogenic.

GeneDx
Classification: Pathogenic. Last evaluated: 2022-06-03. Review status: criteria provided, single submitter. Criteria: GeneDx Variant Classification Process June 2021. Collection method: clinical testing. Allele origin: germline. Affected: yes. Not counted in ClinVar's aggregate classification.
Comment: Not observed at significant frequency in large population cohorts (gnomAD); In silico analysis supports that this missense variant has a deleterious effect on protein structure/function; This variant is associated with the following publications: (PMID: 25351510, 22957257, 16199542, 20359594, 21835320, 21310275, 25524337, 12707239, 26507537, 25935763, 24510615, 27247418, 27532257, 23074333, 9829907, 29300372, 31006259, 30624779, 31447099, 33662488, 33673806, 32880476, 34352619, 34135346, 32894683, 1430197)